The following is an entry in ClinVar:

ClinVar aggregate classification (germline): Benign/Likely benign. Review status: criteria provided, multiple submitters, no conflicts (2 of 4 stars). 3 submissions from 3 submitters: Benign (2); Likely benign (1). Last evaluated 2026-02-03.

Conditions:
Neuropathy, hereditary sensory, type 2C. Also called: KIF1A-Related HSAN2 (HSAN2C); Hereditary sensory and autonomic neuropathy type IIC. Identifiers: Orphanet 970, MedGen C3280168, MONDO:0013634, OMIM 614213.
Intellectual disability, autosomal dominant 9 (NESCAVS). Also called: NESCAV SYNDROME; KIF1A-Related Neurodevelopmental Disorder. Identifiers: Orphanet 662367, MedGen C5393830, MONDO:0013656, OMIM 614255.
Hereditary spastic paraplegia 30. Identifiers: Orphanet 101010, MedGen C5235139, MONDO:0012476.

Allele frequency attached by ClinVar (database versions not stated): gnomAD exomes 0.00122 and 0.00264; ExAC 0.00484; ESP Exome Variant Server 0.00708; gnomAD 0.00743 and 0.00783; 1000 Genomes Project 30x 0.00796; 1000 Genomes Project 0.00819; TOPMed 0.00820.
gnomAD v4.1: 2,878 of 1,541,020 alleles (0.19%); highest among the groups gnomAD compares: African/African-American, 2.5%; 37 homozygotes.

Submissions (3):

Labcorp Genetics (formerly Invitae), Labcorp
Classification: Benign for Hereditary spastic paraplegia 30; Neuropathy, hereditary sensory, type 2C; Intellectual disability, autosomal dominant 9. Last evaluated: 2026-02-03. Review status: criteria provided, single submitter. Criteria: Invitae Variant Classification Sherloc (09022015). Collection method: clinical testing. Allele origin: germline.

Center for Pediatric Genomic Medicine, Children's Mercy Hospital and Clinics
Classification: Likely benign. Last evaluated: 2017-04-19. Review status: criteria provided, single submitter. Criteria: ACMG Guidelines, 2015. Collection method: clinical testing. Allele origin: germline.

GeneDx
Classification: Benign. Last evaluated: 2016-02-02. Review status: criteria provided, single submitter. Criteria: GeneDx Variant Classification (06012015). Collection method: clinical testing. Allele origin: germline. Affected: yes.
Comment: This variant is considered likely benign or benign based on one or more of the following criteria: it is a conservative change, it occurs at a poorly conserved position in the protein, it is predicted to be benign by multiple in silico algorithms, and/or has population frequency not consistent with disease.

NM_001244008.2(KIF1A):c.5021+16C>T

Gene: KIF1A (kinesin family member 1A; minus strand). Cytogenetic location: 2q37.3.
Variant type: single nucleotide variant.
Coding change: c.5021+16C>T on transcript NM_001244008.2 (MANE Select); 16 bases into the intron after coding-DNA position 5021, C replaced by T.
Molecular consequence: intron variant.
Genome position (GRCh38, 1-based): chr2:240,719,758, G>A on the plus strand (C>T on the coding strand, the complement: KIF1A is on the minus strand). VCF-style: chr2-240719758-G-A. GRCh37 (hg19) VCF-style: chr2-241659175-G-A.
Other names: c.4718+16C>T (NM_001379653.1, NM_001379650.1, NM_001379641.1 and 2 more transcripts); c.4994+16C>T (NM_001379645.1, NM_001379633.1); c.4844+16C>T (NM_001379635.1, NM_001379646.1); c.4715+16C>T (NM_001379640.1); c.4742+16C>T (NM_001379639.1); c.4745+16C>T (NM_001379649.1, NM_001320705.2); c.4832+16C>T (NM_001379636.1); c.4997+16C>T (NM_001379632.1); and 7 more.
Identifiers: ClinVar variation 378055 (VCV000378055.10), dbSNP rs138847355, ClinGen allele CA2207225.
Genomic context (GRCh38, chr2:240,719,758, plus strand): 5'-TGGGGAGCAGGGTGGCCTGCCTGTCCCCTGTCAGCACAGAGCTGGTGGCGGTGCTTTCCA[G>A]GGAGGCCCCACACACCTGACTCGGATCTCCTGGATGTCAGGGACCAGCAGGCGCTGGGGC-3'